The following is an entry in ClinVar:

ClinVar aggregate classification (germline): Uncertain significance. Review status: reviewed by expert panel (3 of 4 stars). 2 submissions from 2 submitters: Uncertain significance (1). 1 of the submissions does not count toward it. Last evaluated 2024-10-29.

Conditions:
Hereditary thrombocytopenia and hematological cancer predisposition syndrome associated with RUNX1. Also called: Familial Platelet Disorder with Propensity to Acute Myelogenous Leukemia; Familial thrombocytopenia with propensity to acute myelogenous leukemia; PLATELET DISORDER, ASPIRIN-LIKE; RUNX1 Familial Platelet Disorder with Associated Myeloid Malignancies. Identifiers: Orphanet 71290, MedGen C1832388, MeSH C563324, MONDO:0100083, OMIM 601399.
Hereditary thrombocytopenia and hematologic cancer predisposition syndrome. Identifiers: Orphanet 71290, MedGen CN281654, MONDO:0011071.

Submissions (2):

ClinGen Myeloid Malignancy Variant Curation Expert Panel
Classification: Uncertain significance for Hereditary thrombocytopenia and hematologic cancer predisposition syndrome. Last evaluated: 2024-10-29. Review status: reviewed by expert panel. Criteria: ClinGen MyeloMalig ACMG Specifications v2. Collection method: curation. Allele origin: germline. Inheritance: Autosomal dominant inheritance.
Comment: NM_001754.5(RUNX1):c.35C>G (p.Ser12Trp) is a missense variant which is absent from gnomAD v2, v3, and v4.1 (PM2_supporting). This variant has not been reported in the literature. The computational predictor REVEL gives a score of 0.631, which is neither above nor below the thresholds predicting a damaging or benign impact on RUNX1 function, and the splice site predictor SpliceAI indicates that the variant has no impact on splicing. In summary, this variant meets the criteria to be classified as a VUS for autosomal dominant hereditary thrombocytopenia and hematologic cancer predisposition syndrome based on the ACMG/AMP criteria applied, as specified by the ClinGen Myeloid Malignancy VCEP: PM2_supporting.

Labcorp Genetics (formerly Invitae), Labcorp
Classification: Uncertain significance for Hereditary thrombocytopenia and hematological cancer predisposition syndrome associated with RUNX1. Last evaluated: 2023-08-20. Review status: criteria provided, single submitter. Criteria: Invitae Variant Classification Sherloc (09022015). Collection method: clinical testing. Allele origin: germline. Not counted in ClinVar's aggregate classification.
Comment: In summary, the available evidence is currently insufficient to determine the role of this variant in disease. Therefore, it has been classified as a Variant of Uncertain Significance. An algorithm developed to predict the effect of missense changes on protein structure and function (PolyPhen-2) suggests that this variant is likely to be disruptive. This variant has not been reported in the literature in individuals affected with RUNX1-related conditions. This variant is not present in population databases (gnomAD no frequency). This sequence change replaces serine, which is neutral and polar, with tryptophan, which is neutral and slightly polar, at codon 12 of the RUNX1 protein (p.Ser12Trp).

NM_001754.5(RUNX1):c.35C>G (p.Ser12Trp)

Gene: RUNX1 (RUNX family transcription factor 1; minus strand). Cytogenetic location: 21q22.12.
Variant type: single nucleotide variant.
Coding change: c.35C>G on transcript NM_001754.5 (MANE Select); coding-DNA position 35, C replaced by G.
Protein change: p.Ser12Trp; replaces serine 12 with tryptophan.
Molecular consequence: missense variant.
Genome position (GRCh38, 1-based): chr21:35,048,865, G>C on the plus strand (C>G on the coding strand, the complement: RUNX1 is on the minus strand). VCF-style: chr21-35048865-G-C. GRCh37 (hg19) VCF-style: chr21-36421162-G-C.
Other names: NM_001754.5(RUNX1):c.35C>G; p.Ser12Trp; short protein forms S12W.
Identifiers: ClinVar variation 2754122 (VCV002754122.4), dbSNP rs750755857, ClinGen allele CA410208239.